The following is an entry in ClinVar:

NM_014874.4(MFN2):c.2146G>A (p.Ala716Thr)

Gene: MFN2 (mitofusin 2; plus strand). Cytogenetic location: 1p36.22.
Variant type: single nucleotide variant.
Coding change: c.2146G>A on transcript NM_014874.4 (MANE Select); coding-DNA position 2146, G replaced by A.
Protein change: p.Ala716Thr; replaces alanine 716 with threonine.
Molecular consequence: missense variant.
Genome position (GRCh38, 1-based): chr1:12,009,668, G>A. VCF-style: chr1-12009668-G-A. GRCh37 (hg19) VCF-style: chr1-12069725-G-A.
Other names: p.A716T:GCC>ACC; p.Ala716Thr; c.2146G>A, p.Ala716Thr (NM_001127660.2); short protein forms A716T.
Identifiers: ClinVar variation 214649 (VCV000214649.69), dbSNP rs144860227, ClinGen allele CA321153.
Genomic context (GRCh38, chr1:12,009,668, plus strand): 5'-TTTGCTCATCTGTGTCAGCAAGTTGACGTCACCCGGGAGAACCTGGAGCAGGAAATTGCC[G>A]CCATGAACAAGAAAATTGAGGTTCTTGACTCACTTCAGAGCAAAGCAAAGCTGCTCAGGT-3'
Protein context (NP_055689.1, residues 706-726): TRENLEQEIA[Ala716Thr]MNKKIEVLDS

ClinVar aggregate classification (germline): Conflicting classifications of pathogenicity. Review status: criteria provided, conflicting classifications (1 of 4 stars). 12 submissions from 11 submitters: Uncertain significance (5); Likely benign (5). 2 of the submissions do not count toward it. Last evaluated 2026-08-01.

Conditions:
Inborn genetic diseases. Identifiers: MedGen C0950123, MeSH D030342.
MFN2-related disorder. Also called: MFN2-related condition; MFN2-related disorders.
Charcot-Marie-Tooth disease type 2. Also called: Charcot-Marie-Tooth type 2. Identifiers: Orphanet 64746, MedGen C0270914, MONDO:0018993.
Charcot-Marie-Tooth disease. Also called: Charcot-Marie-Tooth Neuropathy; Charcot-Marie-Tooth Hereditary Neuropathy. Identifiers: Orphanet 166, MedGen C0007959, MONDO:0015626.
Hereditary motor and sensory neuropathy with optic atrophy. Also called: CHARCOT-MARIE-TOOTH DISEASE, TYPE 6; PERIPHERAL NEUROPATHY AND OPTIC ATROPHY. Identifiers: Orphanet 90120, MedGen C0393807, MONDO:0019551.

Allele frequency attached by ClinVar (database versions not stated): gnomAD exomes 0.00011; gnomAD 0.00032; ESP Exome Variant Server 0.00038; TOPMed 0.00040; 1000 Genomes Project 30x 0.00109; 1000 Genomes Project 0.00120.
gnomAD v4.1: 425 of 1,614,182 alleles (0.026%); highest among the groups gnomAD compares: African/African-American, 0.067%; 1 homozygote.

Submissions (12):

CeGaT Center for Human Genetics Tuebingen
Classification: Likely benign. Last evaluated: 2026-08-01. Review status: criteria provided, single submitter. Criteria: CeGaT Center For Human Genetics Tuebingen Variant Classification Criteria Version 2. Collection method: clinical testing. Allele origin: germline. Affected: yes. Observed: 6 variant alleles.
Comment: MFN2: BP4, BS2

PreventionGenetics, part of Exact Sciences
Classification: Uncertain significance for MFN2-related condition. Last evaluated: 2026-03-20. Review status: criteria provided, single submitter. Criteria: ACMG Guidelines, 2015. Collection method: clinical testing. Allele origin: germline.
Comment: The MFN2 c.2146G>A variant is predicted to result in the amino acid substitution p.Ala716Thr. This variant has previously been reported in individuals with Charcot-Marie-Tooth (CMT) disease or neuropathy (Braathen et al. 2010. PubMed ID: 20350294; Feely et al. 2011. PubMed ID: 21508331; Sitarz et al. 2012. PubMed ID: 22492563); however, little additional support for pathogenicity was provided (e.g., conclusive segregation or functional studies). This variant was also reported as likely benign for autosomal dominant CMT in one study (Supp. Table 6, Pipis et al. 2020. PubMed ID: 33415332). This variant is reported in 0.064% of alleles in individuals of African descent in gnomAD, which may be too frequent to be a primary cause of autosomal dominant disease. At this time, the clinical significance of this variant is uncertain due to the absence of conclusive functional and genetic evidence.

Labcorp Genetics (formerly Invitae), Labcorp
Classification: Uncertain significance for Charcot-Marie-Tooth disease type 2. Last evaluated: 2026-01-06. Review status: criteria provided, single submitter. Criteria: Invitae Variant Classification Sherloc (09022015). Collection method: clinical testing. Allele origin: germline.
Comment: This sequence change replaces alanine, which is neutral and non-polar, with threonine, which is neutral and polar, at codon 716 of the MFN2 protein (p.Ala716Thr). This variant is present in population databases (rs144860227, gnomAD 0.06%). This missense change has been observed in individual(s) with clinical features of MFN2-related conditions (PMID: 20350294, 21508331, 22492563, 33415332). ClinVar contains an entry for this variant (Variation ID: 214649). Invitae Evidence Modeling of protein sequence and biophysical properties (such as structural, functional, and spatial information, amino acid conservation, physicochemical variation, residue mobility, and thermodynamic stability) indicates that this missense variant is not expected to disrupt MFN2 protein function with a negative predictive value of 80%. In summary, the available evidence is currently insufficient to determine the role of this variant in disease. Therefore, it has been classified as a Variant of Uncertain Significance.

Mayo Clinic Laboratories, Mayo Clinic
Classification: Uncertain significance. Last evaluated: 2025-11-21. Review status: criteria provided, single submitter. Criteria: ACMG Guidelines, 2015. Collection method: clinical testing. Allele origin: germline. Observed: 1 variant allele.

Blueprint Genetics
Classification: Likely benign. Last evaluated: 2024-10-23. Review status: criteria provided, single submitter. Criteria: ACMG Guidelines, 2015. Collection method: clinical testing. Allele origin: germline.

Ambry Genetics
Classification: Uncertain significance for Inborn genetic diseases. Last evaluated: 2022-08-23. Review status: criteria provided, single submitter. Criteria: Ambry Variant Classification Scheme 2023. Collection method: clinical testing. Allele origin: germline.
Comment: The p.A716T variant (also known as c.2146G>A), located in coding exon 16 of the MFN2 gene, results from a G to A substitution at nucleotide position 2146. The alanine at codon 716 is replaced by threonine, an amino acid with similar properties. This variant was reported to segregate with dominant intermediate Charcot Marie Tooth disease in a single family (Braathen GJ et al. BMC Med. Genet., 2010 Mar;11:48) and has also been reported in two individuals affected with Charcot Marie Tooth disease type 2 (Feely SM et al. Neurology, 2011 May;76:1690-6; Sitarz KS et al. Brain, 2012 Aug;135:e219, 1-3; author reply e220, 1-3). This amino acid position is not well conserved in available vertebrate species. In addition, this alteration is predicted to be tolerated by in silico analysis. Based on the supporting evidence, this variant is unlikely to be causative of Charcot-Marie-Tooth disease (CMT) type 2A2A and hereditary motor and sensory neuropathy VIA; however, its contribution to the development of Charcot-Marie-Tooth disease (CMT) type 2A2B is uncertain.

GeneDx
Classification: Likely benign. Last evaluated: 2020-03-24. Review status: criteria provided, single submitter. Criteria: GeneDx Variant Classification Process June 2021. Collection method: clinical testing. Allele origin: germline. Affected: yes.
Comment: This variant is associated with the following publications: (PMID: 29361379, 29341354, 20350294, 23106488, 21508331, 22492563, 20482598)

Eurofins Ntd Llc (ga)
Classification: Uncertain significance. Last evaluated: 2018-02-20. Review status: criteria provided, single submitter. Criteria: EGL ClinVar v180209 classification definitions. Collection method: clinical testing. Allele origin: germline. Observed: 1 variant allele, 1 heterozygote.

Illumina Laboratory Services, Illumina
Classification: Likely benign for Neuropathy, hereditary motor and sensory, type 6A. Last evaluated: 2017-04-27. Review status: criteria provided, single submitter. Criteria: ICSL Variant Classification Criteria 13 December 2019. Collection method: clinical testing. Allele origin: germline.
Comment: This variant was observed as part of a predisposition screen in an ostensibly healthy population. A literature search was performed for the gene, cDNA change, and amino acid change (where applicable). No publications were found based on this search. Allele frequency data from public databases allowed determination this variant is unlikely to cause disease. Therefore, this variant is classified as likely benign.

Illumina Laboratory Services, Illumina
Classification: Likely benign for Charcot-Marie-Tooth disease, type 2. Last evaluated: 2017-04-27. Review status: criteria provided, single submitter. Criteria: ICSL Variant Classification Criteria 13 December 2019. Collection method: clinical testing. Allele origin: germline.
Comment: This variant was observed as part of a predisposition screen in an ostensibly healthy population. A literature search was performed for the gene, cDNA change, and amino acid change (where applicable). Publications were found based on this search. The evidence from the literature, in combination with allele frequency data from public databases where available, was sufficient to determine this variant is unlikely to cause disease. Therefore, this variant is classified as likely benign.

Inherited Neuropathy Consortium
Classification: Uncertain significance for Charcot-Marie-Tooth disease. Review status: no assertion criteria provided. Collection method: literature only. Allele origin: germline. Affected: yes. Not counted in ClinVar's aggregate classification.

Molecular Genetics Laboratory, London Health Sciences Centre
Classification: Likely pathogenic for Charcot-Marie-Tooth disease. Review status: flagged submission. Criteria: ACMG Guidelines, 2015. Collection method: clinical testing. Allele origin: germline. Affected: yes. Not counted in ClinVar's aggregate classification.
ClinVar note: Reason: Outlier claim with insufficient supporting evidence

Literature cited by the submitters: PubMed 20350294 (cited by 5 submitters); PubMed 21508331 (cited by 4 submitters); PubMed 22492563 (cited by 4 submitters); PubMed 33415332 (cited by Labcorp Genetics (formerly Invitae), Labcorp and Mayo Clinic Laboratories, Mayo Clinic); PubMed 20482598 (cited by Mayo Clinic Laboratories, Mayo Clinic and Illumina Laboratory Services, Illumina); PubMed 33841295 (cited by Mayo Clinic Laboratories, Mayo Clinic).